The following is an entry in ClinVar:

NM_024675.4(PALB2):c.2438T>C (p.Ile813Thr)

Gene: PALB2 (partner and localizer of BRCA2; minus strand). Cytogenetic location: 16p12.2.
Variant type: single nucleotide variant.
Coding change: c.2438T>C on transcript NM_024675.4 (MANE Select); coding-DNA position 2438, T replaced by C.
Protein change: p.Ile813Thr; replaces isoleucine 813 with threonine.
Molecular consequence: missense variant.
Genome position (GRCh38, 1-based): chr16:23,629,716, A>G on the plus strand (T>C on the coding strand, the complement: PALB2 is on the minus strand). VCF-style: chr16-23629716-A-G. GRCh37 (hg19) VCF-style: chr16-23641037-A-G.
Other names: short protein forms I813T.
Identifiers: ClinVar variation 410141 (VCV000410141.34), dbSNP rs763191051, ClinGen allele CA7963573.

ClinVar aggregate classification (germline): Conflicting classifications of pathogenicity. Review status: criteria provided, conflicting classifications (1 of 4 stars). 10 submissions from 10 submitters: Uncertain significance (6); Likely benign (3). 1 of the submissions does not count toward it. Last evaluated 2026-01-11.

Conditions:
Breast-ovarian cancer, familial, susceptibility to, 5 (BROVCA5). Identifiers: MedGen C5830615, MONDO:0957530, OMIM 620442.
Hereditary cancer-predisposing syndrome. Also called: Hereditary Cancer Syndrome; Neoplastic Syndromes, Hereditary; Tumor predisposition; Hereditary neoplastic syndrome. Identifiers: Orphanet 140162, MedGen C0027672, MeSH D009386, MONDO:0015356.
PALB2-related disorder. Also called: PALB2-related condition; PALB2-related disorders.
Familial cancer of breast. Also called: Hereditary breast cancer; hereditary breast carcinoma; BREAST CANCER, FAMILIAL. Identifiers: Orphanet 227535, MedGen C0346153, MONDO:0016419, OMIM 114480. Disease mechanism: loss of function.

Allele frequency attached by ClinVar (database versions not stated): gnomAD exomes 0.00001 and 0.00002; TOPMed 0.00001; ExAC 0.00001; gnomAD 0.00001.

Submissions (10):

Dasa
Classification: Uncertain significance for Breast-ovarian cancer, familial, susceptibility to, 5. Last evaluated: 2026-01-11. Review status: criteria provided, single submitter. Criteria: DASA Assertion Criteria. Collection method: clinical testing. Allele origin: germline.
Comment: NM_024675.4(PALB2):c.2438T>C (p.Ile813Thr) is a missense variant that results in the substitution of isoleucine with threonine. Multiple computational predictions suggest no deleterious effect on the gene or gene product. The variant is present at low frequency in population datasets. Based on the available data, this variant is classified as variant of uncertain significance.

Labcorp Genetics (formerly Invitae), Labcorp
Classification: Uncertain significance for Familial cancer of breast. Last evaluated: 2025-06-29. Review status: criteria provided, single submitter. Criteria: Invitae Variant Classification Sherloc (09022015). Collection method: clinical testing. Allele origin: germline.
Comment: This sequence change replaces isoleucine, which is neutral and non-polar, with threonine, which is neutral and polar, at codon 813 of the PALB2 protein (p.Ile813Thr). This variant is present in population databases (rs763191051, gnomAD 0.009%). This missense change has been observed in individual(s) with breast cancer (PMID: 18446436, 35264596, 35534704). ClinVar contains an entry for this variant (Variation ID: 410141). Invitae Evidence Modeling of protein sequence and biophysical properties (such as structural, functional, and spatial information, amino acid conservation, physicochemical variation, residue mobility, and thermodynamic stability) indicates that this missense variant is not expected to disrupt PALB2 protein function with a negative predictive value of 80%. In summary, the available evidence is currently insufficient to determine the role of this variant in disease. Therefore, it has been classified as a Variant of Uncertain Significance.

Color Diagnostics, LLC DBA Color Health
Classification: Uncertain significance for Hereditary cancer-predisposing syndrome. Last evaluated: 2024-04-16. Review status: criteria provided, single submitter. Criteria: ACMG Guidelines, 2015. Collection method: clinical testing. Allele origin: germline.
Comment: This missense variant replaces isoleucine with threonine at codon 813 of the PALB2 protein. Computational prediction suggests that this variant may not impact protein structure and function. To our knowledge, functional studies have not been reported for this variant. This variant has been reported in three individuals affected with breast cancer (PMID: 18446436, 35264596) and in a breast cancer case-control meta-analysis in 1/60466 cases and 0/53461 unaffected individuals (PMID: 33471991; Leiden Open Variation Database DB-ID PALB2_010897). This variant has been identified in 4/251486 chromosomes in the general population by the Genome Aggregation Database (gnomAD). The available evidence is insufficient to determine the role of this variant in disease conclusively. Therefore, this variant is classified as a Variant of Uncertain Significance.

Myriad Genetics, Inc.
Classification: Likely benign for Familial cancer of breast. Last evaluated: 2024-01-22. Review status: criteria provided, single submitter. Criteria: Myriad Autosomal Dominant, Autosomal Recessive and X-Linked Classification Criteria (2023). Collection method: clinical testing. Allele origin: unknown.
Comment: This variant is considered likely benign. This variant is strongly associated with less severe personal and family histories of cancer, typical for individuals without pathogenic variants in this gene [PMID: 25085752].

GeneDx
Classification: Uncertain significance. Last evaluated: 2023-10-17. Review status: criteria provided, single submitter. Criteria: GeneDx Variant Classification Process June 2021. Collection method: clinical testing. Allele origin: germline. Affected: yes.
Comment: Not observed at significant frequency in large population cohorts (gnomAD); In silico analysis supports that this missense variant does not alter protein structure/function; This variant is associated with the following publications: (PMID: 18446436, 24485656, 28779002, 35264596)

Mendelics
Classification: Uncertain significance for Familial cancer of breast. Last evaluated: 2019-05-28. Review status: criteria provided, single submitter. Criteria: Mendelics Assertion Criteria 2017. Collection method: clinical testing. Allele origin: unknown.

Ambry Genetics
Classification: Likely benign for Hereditary cancer-predisposing syndrome. Last evaluated: 2018-03-29. Review status: criteria provided, single submitter. Criteria: Ambry Variant Classification Scheme 2023. Collection method: clinical testing. Allele origin: germline.

Women's Health and Genetics/Laboratory Corporation of America, LabCorp
Classification: Uncertain significance. Last evaluated: 2017-08-09. Review status: criteria provided, single submitter. Criteria: LabCorp Variant Classification Summary - May 2015. Collection method: clinical testing. Allele origin: germline.
Comment: Variant summary: The PALB2 c.2438T>C (p.Ile813Thr) variant located in the WD40/YVTN repeat-like-containing domain (via InterPro) involves the alteration of a non-conserved nucleotide and 4/5 in silico tools predict a benign outcome. However, these predictions have yet to be functionally assessed. This variant was found in 4/246270 control chromosomes at a frequency of 0.0000162, which does not exceed the estimated maximal expected allele frequency of a pathogenic PALB2 variant (0.0001563). A publication cites the variant in two affected individuals, however, limited information is provided (ie, co-occurrence and/or cosegregation data). A clinical diagnostic laboratory classified this variant as uncertain significance. Taken together, this variant is classified as a "Variant of Uncertain Significance (VUS)," until additional information becomes available.

ARUP Laboratories, Molecular Genetics and Genomics, ARUP Laboratories
Classification: Likely benign. Last evaluated: 2017-07-27. Review status: criteria provided, single submitter. Criteria: ARUP Molecular Germline Variant Investigation Process. Collection method: clinical testing. Allele origin: germline.
Comment: The PALB2 c.2438T>C;p.Ile813Thr variant has not been described in the medical literature or in gene-specific databases. The variant is listed in the ClinVar database (Variation ID: 410141) and the dbSNP variant database (rs763191051) with an allele frequency of 0.001624 percent (4/246270 alleles) in the Genome Aggregation Database. The isoleucine residue at this position is only partially conserved across species; amongst other mammalian species, 21 have isoleucine, 19 have threonine and 19 have another amino acid at this position. Furthermore, computational algorithms (AlignGVGD, SIFT, MutationTaster) all predict this variant is tolerated. Additionally, missense variants in PALB2 are not a known pathogenic mechanism for cancer predisposition (Tavtigian 2014, Tischkowitz 2012). Considering available information, this variant is classified as likely benign. References: Tavtigian SV and Chenevix-Trench G. Growing recognition of the role for rare missense substitutions in breast cancer susceptibility. Biomark Med. 2014;8(4):589-603. Tischkowitz M et al. Rare germline mutations in PALB2 and breast cancer risk: a population-based study. Hum Mutat. 2012 Apr;33(4):674-80.

PreventionGenetics, part of Exact Sciences
Classification: Uncertain significance for PALB2-related condition. Last evaluated: 2023-12-26. Review status: no assertion criteria provided. Collection method: clinical testing. Allele origin: germline. Not counted in ClinVar's aggregate classification.
Comment: The PALB2 c.2438T>C variant is predicted to result in the amino acid substitution p.Ile813Thr. This variant has been reported in individuals with a personal or family history of breast cancer (Cao et al. 2008. PubMed ID: 18446436; Table S3, Guindalini et al 2022. PubMed ID: 35264596). This variant is reported in 0.0087% of alleles in individuals of Latino descent in gnomAD and interpreted as uncertain or likely benign in ClinVar. At this time, the clinical significance of this variant is uncertain due to the absence of conclusive functional and genetic evidence.

Literature cited by the submitters: PubMed 18446436 (cited by 4 submitters); PubMed 35264596 (cited by Labcorp Genetics (formerly Invitae), Labcorp and Color Diagnostics, LLC DBA Color Health); PubMed 35534704 (cited by Labcorp Genetics (formerly Invitae), Labcorp); PubMed 33471991 (cited by Color Diagnostics, LLC DBA Color Health); PubMed 25085752 (cited by Myriad Genetics, Inc.).